The following is an entry in ClinVar:

NM_000051.4(ATM):c.4576_4577insT (p.Pro1526fs)

Gene: ATM (ATM serine/threonine kinase; plus strand). Cytogenetic location: 11q22.3.
Variant type: Insertion.
Coding change: c.4576_4577insT on transcript NM_000051.4 (MANE Select); coding-DNA positions 4576 to 4577, T inserted.
Protein change: p.Pro1526fs; shifts the reading frame from proline 1526.
Molecular consequence: frameshift variant.
Genome position: GRCh38 VCF-style: chr11-108292758-C-CT. GRCh37 (hg19) VCF-style: chr11-108163485-C-CT.
Other names: c.4576_4577insT, p.Pro1526fs (NM_001351834.2); short protein forms P1526fs.
Identifiers: ClinVar variation 825014 (VCV000825014.11), dbSNP rs1591674707, ClinGen allele CA915944424.
Genomic context (GRCh38, chr11:108,292,758, plus strand): 5'-GTGACTTACTGTAAGGATGCTCTAGAAAACCATCTTCATGTTATTGTTGGTACACTTATA[C>CT]CCCTTGTGTATGAGCAGGTGGAGGTTCAGAAACAGGTAATTTTCTGACTCATCTTCAAAA-3'

ClinVar aggregate classification (germline): Pathogenic/Likely pathogenic. Review status: criteria provided, multiple submitters, no conflicts (2 of 4 stars). 4 submissions from 4 submitters: Pathogenic (3); Likely pathogenic (1). Last evaluated 2025-06-25.

Conditions:
Hereditary cancer-predisposing syndrome. Also called: Neoplastic Syndromes, Hereditary; Hereditary Cancer Syndrome; Hereditary neoplastic syndrome; Tumor predisposition. Identifiers: Orphanet 140162, MedGen C0027672, MeSH D009386, MONDO:0015356.
Familial cancer of breast. Also called: hereditary breast carcinoma; BREAST CANCER, FAMILIAL; Hereditary breast cancer. Identifiers: Orphanet 227535, MedGen C0346153, MONDO:0016419, OMIM 114480. Disease mechanism: loss of function.
Ataxia-telangiectasia syndrome (AT). Also called: ATAXIA-TELANGIECTASIA, COMPLEMENTATION GROUP A; ATAXIA-TELANGIECTASIA, FRESNO VARIANT; Ataxia-telangiectasia, complementation group E; Ataxia telangiectasia (A-T); LOUIS-BAR SYNDROME; Cerebello-oculocutaneous telangiectasia. Identifiers: Orphanet 100, MedGen C0004135, MONDO:0008840, OMIM 208900.

Submissions (4):

GeneKor MSA
Classification: Likely pathogenic for Hereditary cancer-predisposing syndrome. Last evaluated: 2025-06-25. Review status: criteria provided, single submitter. Criteria: ACMG Guidelines, 2015. Collection method: clinical testing. Allele origin: germline. Affected: yes.
Comment: This variant is an insertion n of one nucleotide at exon 30 of ATM gene (c.4576_4577insT), causing a translational frameshift with a predicted alternate stop codon after 5 nucleotide residues- p.(Pro1526Leufs*5). This results in the production of a truncated, non-functional protein. Loss-of-function variants in ATM are known to be pathogenic (PMID:23807571, 25614872). This variant is not present in population databases (rs1591674707) and ClinVar contain entries for this variant (VCV000825014.9). Based on the classification criteria set by the ACMG and AMP (PMID:25741868) this variant has been classified as likely pathogenic.

Ambry Genetics
Classification: Pathogenic for Hereditary cancer-predisposing syndrome. Last evaluated: 2024-09-20. Review status: criteria provided, single submitter. Criteria: Ambry Variant Classification Scheme 2023. Collection method: clinical testing. Allele origin: germline.
Comment: The c.4576_4577insT pathogenic mutation, located in coding exon 29 of the ATM gene, results from an insertion of one nucleotide at position 4576, causing a translational frameshift with a predicted alternate stop codon (p.P1526Lfs*5). This variant is considered to be rare based on population cohorts in the Genome Aggregation Database (gnomAD). This alteration is expected to result in loss of function by premature protein truncation or nonsense-mediated mRNA decay. As such, this alteration is interpreted as a disease-causing mutation.

Myriad Genetics, Inc.
Classification: Pathogenic for Familial cancer of breast. Last evaluated: 2024-01-24. Review status: criteria provided, single submitter. Criteria: Myriad Autosomal Dominant, Autosomal Recessive and X-Linked Classification Criteria (2023). Collection method: clinical testing. Allele origin: unknown.
Comment: This variant is considered pathogenic. This variant creates a frameshift predicted to result in premature protein truncation.

Labcorp Genetics (formerly Invitae), Labcorp
Classification: Pathogenic for Ataxia-telangiectasia syndrome. Last evaluated: 2022-04-11. Review status: criteria provided, single submitter. Criteria: Invitae Variant Classification Sherloc (09022015). Collection method: clinical testing. Allele origin: germline.
Comment: For these reasons, this variant has been classified as Pathogenic. This sequence change creates a premature translational stop signal (p.Pro1526Leufs*5) in the ATM gene. It is expected to result in an absent or disrupted protein product. Loss-of-function variants in ATM are known to be pathogenic (PMID: 23807571, 25614872). This variant is not present in population databases (gnomAD no frequency). This variant has not been reported in the literature in individuals affected with ATM-related conditions. ClinVar contains an entry for this variant (Variation ID: 825014).

Literature cited by the submitters: PubMed 23807571 (cited by GeneKor MSA and Labcorp Genetics (formerly Invitae), Labcorp); PubMed 25614872 (cited by GeneKor MSA and Labcorp Genetics (formerly Invitae), Labcorp).